The following is an entry in ClinVar:

NM_002230.4(JUP):c.136G>A (p.Asp46Asn)

Gene: JUP (junction plakoglobin; minus strand). Cytogenetic location: 17q21.2.
Variant type: single nucleotide variant.
Coding change: c.136G>A on transcript NM_002230.4 (MANE Select); coding-DNA position 136, G replaced by A.
Protein change: p.Asp46Asn; replaces aspartic acid 46 with asparagine.
Molecular consequence: missense variant.
Genome position (GRCh38, 1-based): chr17:41,771,719, C>T on the plus strand (G>A on the coding strand, the complement: JUP is on the minus strand). VCF-style: chr17-41771719-C-T. GRCh37 (hg19) VCF-style: chr17-39927971-C-T.
Other names: c.136G>A, p.Asp46Asn (NM_001352775.2, NM_001352776.2, NM_001352777.2 and 3 more transcripts); short protein forms D46N.
Identifiers: ClinVar variation 660738 (VCV000660738.1), dbSNP rs782308879, ClinGen allele CA8565577.

ClinVar aggregate classification (germline): Uncertain significance (1 of 4 stars; one submission).

Conditions:
Arrhythmogenic right ventricular dysplasia 12. Also called: ARRHYTHMOGENIC RIGHT VENTRICULAR DYSPLASIA, FAMILIAL, 12. Identifiers: MedGen C1969081, MONDO:0012684, OMIM 611528.
Naxos disease (NXD). Also called: WOOLLY HAIR, PALMOPLANTAR KERATODERMA, AND CARDIAC ABNORMALITIES; CARDIOMYOPATHY, ARRHYTHMOGENIC RIGHT VENTRICULAR, WITH SKIN, HAIR, AND NAIL ABNORMALITIES; KERATOSIS PALMOPLANTARIS WITH ARRHYTHMOGENIC CARDIOMYOPATHY; MAL DE NAXOS; PALMOPLANTAR KERATODERMA WITH ARRHYTHMOGENIC RIGHT VENTRICULAR CARDIOMYOPATHY AND WOOLLY HAIR. Identifiers: Orphanet 34217, MedGen C1832600, MONDO:0011017, OMIM 601214.

Allele frequency attached by ClinVar (database versions not stated): ExAC 0.00001; gnomAD exomes 0.00001.
gnomAD v4.1: 7 of 1,614,164 alleles (0.00043%); highest among the groups gnomAD compares: South Asian, 0.0077%; no homozygotes.

Submission:

Labcorp Genetics (formerly Invitae), Labcorp
Classification: Uncertain significance for Arrhythmogenic right ventricular cardiomyopathy, type 12; Naxos disease. Last evaluated: 2018-07-27. Review status: criteria provided, single submitter. Criteria: Invitae Variant Classification Sherloc (09022015). Collection method: clinical testing. Allele origin: germline.
Comment: This sequence change replaces aspartic acid with asparagine at codon 46 of the JUP protein (p.Asp46Asn). The aspartic acid residue is moderately conserved and there is a small physicochemical difference between aspartic acid and asparagine. This variant is present in population databases (rs782308879, ExAC 0.006%). This variant has not been reported in the literature in individuals with JUP-related disease. Algorithms developed to predict the effect of missense changes on protein structure and function (SIFT, PolyPhen-2, Align-GVGD) all suggest that this variant is likely to be tolerated, but these predictions have not been confirmed by published functional studies and their clinical significance is uncertain. In summary, the available evidence is currently insufficient to determine the role of this variant in disease. Therefore, it has been classified as a Variant of Uncertain Significance.